The following is an entry in ClinVar:

ClinVar aggregate classification (germline): Likely benign (1 of 4 stars; one submission).

Conditions:
BMPR1A-related disorder. Also called: BMPR1A-related condition.

Submission:

PreventionGenetics, part of Exact Sciences
Classification: Likely benign for BMPR1A-related condition. Last evaluated: 2025-09-24. Review status: criteria provided, single submitter. Criteria: ACMG Guidelines, 2015. Collection method: clinical testing. Allele origin: germline.
Comment: This variant is classified as likely benign based on ACMG/AMP sequence variant interpretation guidelines (Richards et al. 2015 PMID: 25741868, with internal and published modifications).

NC_000010.11:g.86756080C>G

Gene: BMPR1A (bone morphogenetic protein receptor type 1A; plus strand). Cytogenetic location: 10q23.2.
Variant type: single nucleotide variant.
Molecular consequence: 5 prime UTR variant (on NM_001406562.1). On other transcripts: intron variant (2).
Genome position: GRCh38 VCF-style: chr10-86756080-C-G. GRCh37 (hg19) VCF-style: chr10-88515837-C-G.
Other names: c.-397C>G (NM_001406562.1); c.-177C>G (NM_001406567.1); c.-292C>G (NM_001406568.1); c.-373+117C>G (NM_001406564.1); c.-268+117C>G (NM_001406566.1).
Identifiers: ClinVar variation 4978057 (VCV004978057.1).